The following is an entry in ClinVar:

NM_004183.4(BEST1):c.171A>C (p.Glu57Asp)

Gene: BEST1 (bestrophin 1; plus strand). Cytogenetic location: 11q12.3.
Variant type: single nucleotide variant.
Coding change: c.171A>C on transcript NM_004183.4 (MANE Select); coding-DNA position 171, A replaced by C.
Protein change: p.Glu57Asp; replaces glutamic acid 57 with aspartic acid.
Molecular consequence: missense variant. On other transcripts: non-coding transcript variant (1), 5 prime UTR variant (2).
Genome position (GRCh38, 1-based): chr11:61,955,125, A>C. VCF-style: chr11-61955125-A-C. GRCh37 (hg19) VCF-style: chr11-61722597-A-C.
Other names: c.171A>C, p.Glu57Asp (NM_001363592.2); c.-10A>C (NM_001139443.3, NM_001300786.2, NM_001300787.2); c.171A>C (NM_004183.3); short protein forms E57D.
Identifiers: ClinVar variation 1382222 (VCV001382222.8), dbSNP rs200235532, ClinGen allele CA6040708.

ClinVar aggregate classification (germline): Uncertain significance. Review status: criteria provided, multiple submitters, no conflicts (2 of 4 stars). 4 submissions from 4 submitters: Uncertain significance (4). Last evaluated 2025-09-02.

Conditions:
BEST1-related disorder. Also called: BEST1-related disorders; BEST1-related condition. Identifiers: MedGen CN239200.

Allele frequency attached by ClinVar (database versions not stated): ExAC 0.00002; gnomAD 0.00003 and 0.00004; TOPMed 0.00003; gnomAD exomes 0.00005 and 0.00007.
gnomAD v4.1: 108 of 1,613,874 alleles (0.0067%); highest among the groups gnomAD compares: Non-Finnish European, 0.0088%; no homozygotes.

Submissions (4):

Labcorp Genetics (formerly Invitae), Labcorp
Classification: Uncertain significance. Last evaluated: 2025-09-02. Review status: criteria provided, single submitter. Criteria: Invitae Variant Classification Sherloc (09022015). Collection method: clinical testing. Allele origin: germline.
Comment: This sequence change replaces glutamic acid, which is acidic and polar, with aspartic acid, which is acidic and polar, at codon 57 of the BEST1 protein (p.Glu57Asp). This variant is present in population databases (rs200235532, gnomAD 0.01%). This variant has not been reported in the literature in individuals affected with BEST1-related conditions. ClinVar contains an entry for this variant (Variation ID: 1382222). Invitae Evidence Modeling of protein sequence and biophysical properties (such as structural, functional, and spatial information, amino acid conservation, physicochemical variation, residue mobility, and thermodynamic stability) has been performed for this missense variant. However, the output from this modeling did not meet the statistical confidence thresholds required to predict the impact of this variant on BEST1 protein function. In summary, the available evidence is currently insufficient to determine the role of this variant in disease. Therefore, it has been classified as a Variant of Uncertain Significance.

PreventionGenetics, part of Exact Sciences
Classification: Uncertain significance for BEST1-related condition. Last evaluated: 2025-06-24. Review status: criteria provided, single submitter. Criteria: ACMG Guidelines, 2015. Collection method: clinical testing. Allele origin: germline.
Comment: The BEST1 c.171A>C variant is predicted to result in the amino acid substitution p.Glu57Asp. To our knowledge, this variant has not been reported in the literature. This variant is present in 0.0097% of alleles in individuals of European (Non-Finnish) descent in gnomAD. At this time, the clinical significance of this variant is uncertain due to the absence of conclusive functional and genetic evidence.

GeneDx
Classification: Uncertain significance. Last evaluated: 2025-02-21. Review status: criteria provided, single submitter. Criteria: GeneDx Variant Classification Process June 2021. Collection method: clinical testing. Allele origin: germline. Affected: yes.
Comment: In silico analysis indicates that this missense variant does not alter protein structure/function; Has not been previously published as pathogenic or benign to our knowledge

Blueprint Genetics
Classification: Uncertain significance. Last evaluated: 2024-10-11. Review status: criteria provided, single submitter. Criteria: ACMG Guidelines, 2015. Collection method: clinical testing. Allele origin: germline.